The following is an entry in ClinVar:

NM_001370348.2(PHF3):c.3140G>A (p.Arg1047Gln)

Gene: PHF3 (PHD finger protein 3; plus strand). Cytogenetic location: 6q12.
Variant type: single nucleotide variant.
Coding change: c.3140G>A on transcript NM_001370348.2 (MANE Select); coding-DNA position 3140, G replaced by A.
Protein change: p.Arg1047Gln; replaces arginine 1047 with glutamine.
Molecular consequence: missense variant.
Genome position (GRCh38, 1-based): chr6:63,702,548, G>A. VCF-style: chr6-63702548-G-A. GRCh37 (hg19) VCF-style: chr6-64412438-G-A.
Other names: c.2876G>A, p.Arg959Gln (NM_001290259.2, NM_001370349.2); c.947G>A, p.Arg316Gln (NM_001370350.2); c.3140G>A, p.Arg1047Gln (NM_015153.4); short protein forms R1047Q, R316Q, R959Q.
Identifiers: ClinVar variation 3052997 (VCV003052997.2), dbSNP rs2533298919, ClinGen allele CA364373885.

ClinVar aggregate classification (germline): Uncertain significance (0 of 4 stars; one submission).

Conditions:
PHF3-related disorder. Also called: PHF3-related condition.

gnomAD v4.1: 3 of 1,612,330 alleles (0.00019%); highest among the groups gnomAD compares: Non-Finnish European, 0.00025%; no homozygotes.

Submission:

PreventionGenetics, part of Exact Sciences
Classification: Uncertain significance for PHF3-related condition. Last evaluated: 2024-01-22. Review status: no assertion criteria provided. Collection method: clinical testing. Allele origin: germline.
Comment: The PHF3 c.3140G>A variant is predicted to result in the amino acid substitution p.Arg1047Gln. To our knowledge, this variant has not been reported in the literature or in a large population database, indicating this variant is rare. At this time, the clinical significance of this variant is uncertain due to the absence of conclusive functional and genetic evidence.